The following is an entry in ClinVar:

NM_005188.4(CBL):c.1196T>C (p.Leu399Pro)

Gene: CBL (Cbl proto-oncogene; plus strand). Cytogenetic location: 11q23.3.
Variant type: single nucleotide variant.
Coding change: c.1196T>C on transcript NM_005188.4 (MANE Select); coding-DNA position 1196, T replaced by C.
Protein change: p.Leu399Pro; replaces leucine 399 with proline.
Molecular consequence: missense variant.
Genome position (GRCh38, 1-based): chr11:119,278,266, T>C. VCF-style: chr11-119278266-T-C. GRCh37 (hg19) VCF-style: chr11-119148976-T-C.
Other names: short protein forms L399P.
Identifiers: ClinVar variation 2885098 (VCV002885098.4), dbSNP rs1949905189, ClinGen allele CA382912763.
Genomic context (GRCh38, chr11:119,278,266, plus strand): 5'-AACTATGTAAAATATGTGCTGAAAATGATAAGGATGTAAAGATTGAGCCCTGTGGACACC[T>C]CATGTGCACATCCTGTCTTACATCCTGGCAGGTACGGATCTAAACAGCGACTTTTTTCAG-3'
Protein context (NP_005179.2, residues 389-409): KDVKIEPCGH[Leu399Pro]MCTSCLTSWQ

ClinVar aggregate classification (germline): Uncertain significance. Review status: criteria provided, multiple submitters, no conflicts (2 of 4 stars). 2 submissions from 2 submitters: Uncertain significance (2). Last evaluated 2026-02-11.

Conditions:
RASopathy. Also called: rasopathies; Noonan spectrum disorder. Identifiers: Orphanet 536391, MedGen C5555857, MONDO:0021060.
CBL-related disorder. Also called: CBL MUTATION-ASSOCIATED SYNDROME; CBL SYNDROME; NOONAN SYNDROME-LIKE DISORDER WITHOUT JUVENILE MYELOMONOCYTIC LEUKEMIA. Identifiers: Orphanet 363972, MedGen C3150803, MONDO:0013308, OMIM 613563.

Allele frequency attached by ClinVar (database versions not stated): gnomAD exomes below 0.00001; gnomAD 0.00001.
gnomAD v4.1: 2 of 1,613,550 alleles (0.00012%); highest among the groups gnomAD compares: Non-Finnish European, 0.00017%; no homozygotes.

Submissions (2):

St. Jude Molecular Pathology, St. Jude Children's Research Hospital
Classification: Uncertain significance for CBL-related disorder. Last evaluated: 2026-02-11. Review status: criteria provided, single submitter. Criteria: St. Jude Assertion Criteria 2020. Collection method: clinical testing. Allele origin: germline.
Comment: The CBL c.1196T>C p.(Leu399Pro) missense change is absent in gnomAD v2.1.1. The in silico tool REVEL predicts a deleterious effect on protein function, but to our knowledge this prediction has not been confirmed by functional studies. To our knowledge, this variant has not been reported in individuals with Noonan syndrome-like disorder. In summary, the evidence currently available is insufficient to determine the clinical significance of this variant. It has therefore been classified as of uncertain significance.

Labcorp Genetics (formerly Invitae), Labcorp
Classification: Uncertain significance for RASopathy. Last evaluated: 2023-02-14. Review status: criteria provided, single submitter. Criteria: Invitae Variant Classification Sherloc (09022015). Collection method: clinical testing. Allele origin: germline.
Comment: In summary, the available evidence is currently insufficient to determine the role of this variant in disease. Therefore, it has been classified as a Variant of Uncertain Significance. Advanced modeling of protein sequence and biophysical properties (such as structural, functional, and spatial information, amino acid conservation, physicochemical variation, residue mobility, and thermodynamic stability) performed at Invitae indicates that this missense variant is expected to disrupt CBL protein function. This variant has not been reported in the literature in individuals affected with CBL-related conditions. This variant is not present in population databases (gnomAD no frequency). This sequence change replaces leucine, which is neutral and non-polar, with proline, which is neutral and non-polar, at codon 399 of the CBL protein (p.Leu399Pro).